The following is an entry in ClinVar:

ClinVar aggregate classification (germline): Uncertain significance (1 of 4 stars; one submission).

Conditions:
Idiopathic generalized epilepsy. Also called: Generalised epilepsy; EIG. Identifiers: MedGen C0270850, MONDO:0005579, OMIM 600669.
Hyperaldosteronism, familial, type IV (HALD4). Also called: FH IV; ALDOSTERONISM, PRIMARY, AND HYPERTENSION. Identifiers: Orphanet 642671, MedGen C4310756, MONDO:0014875, OMIM 617027.

Submission:

Labcorp Genetics (formerly Invitae), Labcorp
Classification: Uncertain significance for Idiopathic generalized epilepsy; Hyperaldosteronism, familial, type IV. Last evaluated: 2024-04-25. Review status: criteria provided, single submitter. Criteria: Invitae Variant Classification Sherloc (09022015). Collection method: clinical testing. Allele origin: germline.
Comment: This sequence change replaces leucine, which is neutral and non-polar, with proline, which is neutral and non-polar, at codon 1427 of the CACNA1H protein (p.Leu1427Pro). This variant is not present in population databases (gnomAD no frequency). This variant has not been reported in the literature in individuals affected with CACNA1H-related conditions. Advanced modeling of protein sequence and biophysical properties (such as structural, functional, and spatial information, amino acid conservation, physicochemical variation, residue mobility, and thermodynamic stability) performed at Invitae indicates that this missense variant is expected to disrupt CACNA1H protein function with a positive predictive value of 80%. In summary, the available evidence is currently insufficient to determine the role of this variant in disease. Therefore, it has been classified as a Variant of Uncertain Significance.

NM_021098.3(CACNA1H):c.4280T>C (p.Leu1427Pro)

Gene: CACNA1H (calcium voltage-gated channel subunit alpha1 H; plus strand). Cytogenetic location: 16p13.3.
Variant type: single nucleotide variant.
Coding change: c.4280T>C on transcript NM_021098.3 (MANE Select); coding-DNA position 4280, T replaced by C.
Protein change: p.Leu1427Pro; replaces leucine 1427 with proline.
Molecular consequence: missense variant.
Genome position (GRCh38, 1-based): chr16:1,211,224, T>C. VCF-style: chr16-1211224-T-C. GRCh37 (hg19) VCF-style: chr16-1261224-T-C.
Other names: c.4280T>C, p.Leu1427Pro (NM_001005407.2); short protein forms L1427P.
Identifiers: ClinVar variation 2951671 (VCV002951671.3), dbSNP rs2548704061, ClinGen allele CA394178354.